The following is an entry in ClinVar:

NM_014974.3(DIP2C):c.2524A>T (p.Ile842Phe)

Gene: DIP2C (DIP2 acetate--CoA ligase C (putative); minus strand). Cytogenetic location: 10p15.3.
Variant type: single nucleotide variant.
Coding change: c.2524A>T on transcript NM_014974.3 (MANE Select); coding-DNA position 2524, A replaced by T.
Protein change: p.Ile842Phe; replaces isoleucine 842 with phenylalanine.
Molecular consequence: missense variant.
Genome position (GRCh38, 1-based): chr10:363,265, T>A on the plus strand (A>T on the coding strand, the complement: DIP2C is on the minus strand). VCF-style: chr10-363265-T-A. GRCh37 (hg19) VCF-style: chr10-409205-T-A.
Other names: short protein forms I842F.
Identifiers: ClinVar variation 2006404 (VCV002006404.4), dbSNP rs2540657548, ClinGen allele CA375833164.
Genomic context (GRCh38, chr10:363,265, plus strand): 5'-CACGGCTCATCCACTGGAAACTGTCCTCTTCCGTGGAGTCAGGCCTCTGCTCAGCCACGA[T>A]CACGATCCTCTCGTCGTGCAGCACGGTCACCGAGAACACGGCTATCCTGCGGGGACACAG-3'
Protein context (NP_055789.1, residues 832-852): VTVLHDERIV[Ile842Phe]VAEQRPDSTE

ClinVar aggregate classification (germline): Uncertain significance (1 of 4 stars; one submission).

Submission:

Labcorp Genetics (formerly Invitae), Labcorp
Classification: Uncertain significance. Last evaluated: 2022-06-14. Review status: criteria provided, single submitter. Criteria: Invitae Variant Classification Sherloc (09022015). Collection method: clinical testing. Allele origin: germline.
Comment: In summary, the available evidence is currently insufficient to determine the role of this variant in disease. Therefore, it has been classified as a Variant of Uncertain Significance. Algorithms developed to predict the effect of missense changes on protein structure and function are either unavailable or do not agree on the potential impact of this missense change (SIFT: "Deleterious"; PolyPhen-2: "Benign"; Align-GVGD: "Class C0"). This variant has not been reported in the literature in individuals affected with DIP2C-related conditions. This variant is not present in population databases (gnomAD no frequency). This sequence change replaces isoleucine, which is neutral and non-polar, with phenylalanine, which is neutral and non-polar, at codon 842 of the DIP2C protein (p.Ile842Phe).